The following is an entry in ClinVar:

NM_019023.5(PRMT7):c.362A>G (p.Lys121Arg)

Gene: PRMT7 (protein arginine methyltransferase 7; plus strand). Cytogenetic location: 16q22.1.
Variant type: single nucleotide variant.
Coding change: c.362A>G on transcript NM_019023.5 (MANE Select); coding-DNA position 362, A replaced by G.
Protein change: p.Lys121Arg; replaces lysine 121 with arginine.
Molecular consequence: missense variant. On other transcripts: non-coding transcript variant (11), intron variant (1).
Genome position (GRCh38, 1-based): chr16:68,329,145, A>G. VCF-style: chr16-68329145-A-G. GRCh37 (hg19) VCF-style: chr16-68363048-A-G.
Other names: c.362A>G, p.Lys121Arg (NM_001351144.3, NM_001378018.1, NM_001290018.2 and 1 more transcripts); c.125A>G, p.Lys42Arg (NM_001378021.1, NM_001378022.1, NM_001378023.1); c.184+4313A>G (NM_001378020.1); c.212A>G, p.Lys71Arg (NM_001184824.4); c.362A>G (NM_019023.2); short protein forms K121R, K42R, K71R.
Identifiers: ClinVar variation 2965012 (VCV002965012.4), dbSNP rs753033088, ClinGen allele CA8127076.
Genomic context (GRCh38, chr16:68,329,145, plus strand): 5'-ATGCTGCTGTGAAGATTGTGGAGAAAAATGGCTTTAGTGATAAGATTAAGGTTATCAACA[A>G]GCATTCCACCGAGGTGACTGTAGGTCCAGGTGAGATTTACACACCCTGTGTTGAAAGCTT-3'
Protein context (NP_061896.1, residues 111-131): GFSDKIKVIN[Lys121Arg]HSTEVTVGPE

ClinVar aggregate classification (germline): Uncertain significance. Review status: criteria provided, multiple submitters, no conflicts (2 of 4 stars). 2 submissions from 2 submitters: Uncertain significance (2). Last evaluated 2024-10-14.

Allele frequency attached by ClinVar (database versions not stated): gnomAD exomes below 0.00001; TOPMed below 0.00001; ExAC 0.00001.
gnomAD v4.1: 2 of 1,606,706 alleles (0.00012%); highest among the groups gnomAD compares: Admixed American, 0.0017%; no homozygotes.

Submissions (2):

GeneDx
Classification: Uncertain significance. Last evaluated: 2024-10-14. Review status: criteria provided, single submitter. Criteria: GeneDx Variant Classification Process June 2021. Collection method: clinical testing. Allele origin: germline. Affected: yes.
Comment: Not observed at significant frequency in large population cohorts (gnomAD); In silico analysis supports that this missense variant has a deleterious effect on protein structure/function; Has not been previously published as pathogenic or benign to our knowledge

Labcorp Genetics (formerly Invitae), Labcorp
Classification: Uncertain significance. Last evaluated: 2022-12-30. Review status: criteria provided, single submitter. Criteria: Invitae Variant Classification Sherloc (09022015). Collection method: clinical testing. Allele origin: germline.
Comment: This sequence change replaces lysine, which is basic and polar, with arginine, which is basic and polar, at codon 121 of the PRMT7 protein (p.Lys121Arg). This variant is present in population databases (rs753033088, gnomAD 0.003%). This variant has not been reported in the literature in individuals affected with PRMT7-related conditions. Advanced modeling of protein sequence and biophysical properties (such as structural, functional, and spatial information, amino acid conservation, physicochemical variation, residue mobility, and thermodynamic stability) performed at Invitae indicates that this missense variant is expected to disrupt PRMT7 protein function. In summary, the available evidence is currently insufficient to determine the role of this variant in disease. Therefore, it has been classified as a Variant of Uncertain Significance.